The following is an entry in ClinVar:

NM_001113378.2(FANCI):c.1084A>G (p.Thr362Ala)

Gene: FANCI (FA complementation group I; plus strand). Cytogenetic location: 15q26.1.
Variant type: single nucleotide variant.
Coding change: c.1084A>G on transcript NM_001113378.2 (MANE Select); coding-DNA position 1084, A replaced by G.
Protein change: p.Thr362Ala; replaces threonine 362 with alanine.
Molecular consequence: missense variant.
Genome position (GRCh38, 1-based): chr15:89,274,276, A>G. VCF-style: chr15-89274276-A-G. GRCh37 (hg19) VCF-style: chr15-89817507-A-G.
Other names: c.805A>G, p.Thr269Ala (NM_001376910.1); c.1084A>G, p.Thr362Ala (NM_001376911.1, NM_018193.3); short protein forms T269A, T362A.
Identifiers: ClinVar variation 1327078 (VCV001327078.2), dbSNP rs2053319905, ClinGen allele CA393741729.

ClinVar aggregate classification (germline): Uncertain significance. Review status: criteria provided, multiple submitters, no conflicts (2 of 4 stars). 2 submissions from 2 submitters: Uncertain significance (2). Last evaluated 2022-02-08.

Conditions:
Fanconi anemia complementation group I (FANCI). Also called: FANCI-Related Fanconi Anemia. Identifiers: Orphanet 84, MedGen C1836861, MONDO:0012186, OMIM 609053.

Allele frequency attached by ClinVar (database versions not stated): TOPMed 0.00001.
gnomAD v4.1: 6 of 1,613,628 alleles (0.00037%); highest among the groups gnomAD compares: East Asian, 0.0022%; no homozygotes.

Submissions (2):

Fulgent Genetics
Classification: Uncertain significance for Fanconi anemia complementation group I. Last evaluated: 2022-02-08. Review status: criteria provided, single submitter. Criteria: ACMG Guidelines, 2015. Collection method: clinical testing. Allele origin: unknown.

Baylor Genetics
Classification: Uncertain significance for Fanconi anemia complementation group I. Last evaluated: 2021-11-26. Review status: criteria provided, single submitter. Criteria: ACMG Guidelines, 2015. Collection method: clinical testing. Allele origin: unknown. Affected: yes. Study: CSER-TexasKidsCanSeq.
Comment: This variant was determined to be of uncertain significance according to ACMG Guidelines, 2015 [PMID:25741868].